The following is an entry in ClinVar:

NM_014159.7(SETD2):c.1931A>G (p.Asp644Gly)

Gene: SETD2 (SET domain containing 2, histone lysine methyltransferase; minus strand). Cytogenetic location: 3p21.31.
Variant type: single nucleotide variant.
Coding change: c.1931A>G on transcript NM_014159.7 (MANE Select); coding-DNA position 1931, A replaced by G.
Protein change: p.Asp644Gly; replaces aspartic acid 644 with glycine.
Molecular consequence: missense variant. On other transcripts: non-coding transcript variant (1).
Genome position (GRCh38, 1-based): chr3:47,122,705, T>C on the plus strand (A>G on the coding strand, the complement: SETD2 is on the minus strand). VCF-style: chr3-47122705-T-C. GRCh37 (hg19) VCF-style: chr3-47164195-T-C.
Other names: c.1799A>G, p.Asp600Gly (NM_001349370.3); short protein forms D600G, D644G.
Identifiers: ClinVar variation 2702978 (VCV002702978.5), dbSNP rs2106685339, ClinGen allele CA352528373.

ClinVar aggregate classification (germline): Uncertain significance. Review status: criteria provided, multiple submitters, no conflicts (2 of 4 stars). 3 submissions from 3 submitters: Uncertain significance (3). Last evaluated 2025-11-06.

Conditions:
Luscan-Lumish syndrome. Identifiers: Orphanet 597738, MedGen C4085873, MONDO:0014791, OMIM 616831.

Submissions (3):

Greenwood Genetic Center Diagnostic Laboratories, Greenwood Genetic Center
Classification: Uncertain significance. Last evaluated: 2025-11-06. Review status: criteria provided, single submitter. Criteria: ACMG Guidelines, 2015. Collection method: clinical testing. Allele origin: germline. Affected: yes.
Comment: PM2

GeneDx
Classification: Uncertain significance. Last evaluated: 2024-03-07. Review status: criteria provided, single submitter. Criteria: GeneDx Variant Classification Process June 2021. Collection method: clinical testing. Allele origin: germline. Affected: yes.
Comment: Not observed at significant frequency in large population cohorts (gnomAD); In silico analysis supports that this missense variant has a deleterious effect on protein structure/function; Has not been previously published as pathogenic or benign to our knowledge

Labcorp Genetics (formerly Invitae), Labcorp
Classification: Uncertain significance for Luscan-Lumish syndrome. Last evaluated: 2023-12-13. Review status: criteria provided, single submitter. Criteria: Invitae Variant Classification Sherloc (09022015). Collection method: clinical testing. Allele origin: germline.
Comment: This sequence change replaces aspartic acid, which is acidic and polar, with glycine, which is neutral and non-polar, at codon 644 of the SETD2 protein (p.Asp644Gly). This variant is not present in population databases (gnomAD no frequency). This variant has not been reported in the literature in individuals affected with SETD2-related conditions. Advanced modeling of protein sequence and biophysical properties (such as structural, functional, and spatial information, amino acid conservation, physicochemical variation, residue mobility, and thermodynamic stability) performed at Invitae indicates that this missense variant is not expected to disrupt SETD2 protein function with a negative predictive value of 80%. In summary, the available evidence is currently insufficient to determine the role of this variant in disease. Therefore, it has been classified as a Variant of Uncertain Significance.